The following is an entry in ClinVar:

ClinVar aggregate classification (germline): Likely benign. Review status: criteria provided, single submitter (1 of 4 stars). 2 submissions from 2 submitters: Likely benign (1). 1 of the submissions does not count toward it. Last evaluated 2023-06-15.

Conditions:
KMT2C-related disorder. Also called: KMT2C-related condition; KMT2C-related disorders.

Allele frequency attached by ClinVar (database versions not stated): TOPMed 0.00001; gnomAD 0.00005; gnomAD exomes 0.00005; ExAC 0.00011; 1000 Genomes Project 0.00040; 1000 Genomes Project 30x 0.00047.
gnomAD v4.1: 81 of 1,613,856 alleles (0.005%); highest among the groups gnomAD compares: South Asian, 0.082%; 1 homozygote.

Submissions (2):

Labcorp Genetics (formerly Invitae), Labcorp
Classification: Likely benign. Last evaluated: 2023-06-15. Review status: criteria provided, single submitter. Criteria: Invitae Variant Classification Sherloc (09022015). Collection method: clinical testing. Allele origin: germline.

PreventionGenetics, part of Exact Sciences
Classification: Likely benign for KMT2C-related condition. Last evaluated: 2022-04-19. Review status: no assertion criteria provided. Collection method: clinical testing. Allele origin: germline. Not counted in ClinVar's aggregate classification.
Comment: This variant is classified as likely benign based on ACMG/AMP sequence variant interpretation guidelines (Richards et al. 2015 PMID: 25741868, with internal and published modifications).

NM_170606.3(KMT2C):c.6372G>A (p.Arg2124=)

Gene: KMT2C (lysine methyltransferase 2C; minus strand). Cytogenetic location: 7q36.1.
Variant type: single nucleotide variant.
Coding change: c.6372G>A on transcript NM_170606.3 (MANE Select); coding-DNA position 6372, G replaced by A.
Protein change: p.Arg2124=; no amino-acid change (arginine 2124 retained).
Molecular consequence: synonymous variant.
Genome position (GRCh38, 1-based): chr7:152,181,488, C>T on the plus strand (G>A on the coding strand, the complement: KMT2C is on the minus strand). VCF-style: chr7-152181488-C-T. GRCh37 (hg19) VCF-style: chr7-151878573-C-T.
Other names: c.6372G>A (NM_170606.2).
Identifiers: ClinVar variation 2863178 (VCV002863178.5), dbSNP rs565855077, ClinGen allele CA4580090.